The following is an entry in ClinVar:

ClinVar aggregate classification (germline): Pathogenic (1 of 4 stars; one submission).

Conditions:
Neurofibromatosis, type 2 (SWNV). Also called: BILATERAL ACOUSTIC NEUROFIBROMATOSIS; NF2-Related Schwannomatosis; SCHWANNOMATOSIS, VESTIBULAR. Identifiers: Orphanet 637, MedGen C0027832, MONDO:0007039, OMIM 101000. Disease mechanism: loss of function.

Submission:

Labcorp Genetics (formerly Invitae), Labcorp
Classification: Pathogenic for Neurofibromatosis, type 2. Last evaluated: 2016-01-26. Review status: criteria provided, single submitter. Criteria: Invitae Variant Classification Sherloc (09022015). Collection method: clinical testing. Allele origin: germline.
Comment: A gross deletion of the genomic region encompassing the full coding sequence of the NF2 gene has been identified. The boundaries of this event are unknown as the deletion extends beyond the assayed region for this gene and therefore may encompass additional genes. Loss-of-function alleles in NF2 are known to be pathogenic. Similar whole-gene deletions have been reported in individuals affected with neurofibromatosis type 2 (PMID: 11159946, 9643284, 9817927). For these reasons, this variant has been classified as Pathogenic.

NM_000268.3(NF2):c.-443-?_*3798+?del

Gene: NF2 (NF2, moesin-ezrin-radixin like (MERLIN) tumor suppressor; plus strand).
Variant type: Deletion.
Coding change: c.-443-?_*3798+?del on transcript NM_000268.3.
Other names: c.-443-?_*3798+?del (LRG_511t1).
Identifiers: ClinVar variation 237611 (VCV000237611.1).